The following is an entry in ClinVar:

ClinVar aggregate classification (germline): Uncertain significance. Review status: criteria provided, multiple submitters, no conflicts (2 of 4 stars). 2 submissions from 2 submitters: Uncertain significance (2). Last evaluated 2024-02-02.

Conditions:
Inborn genetic diseases. Identifiers: MedGen C0950123, MeSH D030342.

Allele frequency attached by ClinVar (database versions not stated): gnomAD 0.00001; gnomAD exomes 0.00001; TOPMed 0.00001.

Submissions (2):

Ambry Genetics
Classification: Uncertain significance for Inborn genetic diseases. Last evaluated: 2024-02-02. Review status: criteria provided, single submitter. Criteria: Ambry Variant Classification Scheme 2023. Collection method: clinical testing. Allele origin: germline.

Labcorp Genetics (formerly Invitae), Labcorp
Classification: Uncertain significance. Last evaluated: 2022-08-13. Review status: criteria provided, single submitter. Criteria: Invitae Variant Classification Sherloc (09022015). Collection method: clinical testing. Allele origin: germline.
Comment: In summary, the available evidence is currently insufficient to determine the role of this variant in disease. Therefore, it has been classified as a Variant of Uncertain Significance. Advanced modeling of protein sequence and biophysical properties (such as structural, functional, and spatial information, amino acid conservation, physicochemical variation, residue mobility, and thermodynamic stability) performed at Invitae indicates that this missense variant is not expected to disrupt NOTCH3 protein function. This variant has not been reported in the literature in individuals affected with NOTCH3-related conditions. This variant is not present in population databases (gnomAD no frequency). This sequence change replaces threonine, which is neutral and polar, with isoleucine, which is neutral and non-polar, at codon 900 of the NOTCH3 protein (p.Thr900Ile).

NM_000435.3(NOTCH3):c.2699C>T (p.Thr900Ile)

Gene: NOTCH3 (notch receptor 3; minus strand). Cytogenetic location: 19p13.12.
Variant type: single nucleotide variant.
Coding change: c.2699C>T on transcript NM_000435.3 (MANE Select); coding-DNA position 2699, C replaced by T.
Protein change: p.Thr900Ile; replaces threonine 900 with isoleucine.
Molecular consequence: missense variant.
Genome position (GRCh38, 1-based): chr19:15,181,669, G>A on the plus strand (C>T on the coding strand, the complement: NOTCH3 is on the minus strand). VCF-style: chr19-15181669-G-A. GRCh37 (hg19) VCF-style: chr19-15292480-G-A.
Other names: c.2699C>T (NM_000435.2); short protein forms T900I.
Identifiers: ClinVar variation 2178595 (VCV002178595.5), dbSNP rs778247430, ClinGen allele CA9263304.